The following is an entry in ClinVar:

NM_004304.5(ALK):c.1060C>A (p.His354Asn)

Gene: ALK (ALK receptor tyrosine kinase; minus strand). Cytogenetic location: 2p23.2.
Variant type: single nucleotide variant.
Coding change: c.1060C>A on transcript NM_004304.5 (MANE Select); coding-DNA position 1060, C replaced by A.
Protein change: p.His354Asn; replaces histidine 354 with asparagine.
Molecular consequence: missense variant.
Genome position (GRCh38, 1-based): chr2:29,532,009, G>T on the plus strand (C>A on the coding strand, the complement: ALK is on the minus strand). VCF-style: chr2-29532009-G-T. GRCh37 (hg19) VCF-style: chr2-29754875-G-T.
Other names: short protein forms H354N.
Identifiers: ClinVar variation 3223781 (VCV003223781.4), dbSNP rs1490289892, ClinGen allele CA346587359.

ClinVar aggregate classification (germline): Uncertain significance. Review status: criteria provided, multiple submitters, no conflicts (2 of 4 stars). 3 submissions from 3 submitters: Uncertain significance (3). Last evaluated 2025-12-30.

Conditions:
Hereditary cancer-predisposing syndrome. Also called: Hereditary Cancer Syndrome; Tumor predisposition; Neoplastic Syndromes, Hereditary; Hereditary neoplastic syndrome. Identifiers: Orphanet 140162, MedGen C0027672, MeSH D009386, MONDO:0015356.
Neuroblastoma, susceptibility to, 3. Also called: ALK-Related Neuroblastic Tumor Susceptibility. Identifiers: Orphanet 635, MedGen C2751681, MONDO:0013083, OMIM 613014.

Allele frequency attached by ClinVar (database versions not stated): TOPMed below 0.00001; gnomAD 0.00001.
gnomAD v4.1: 1 of 1,614,050 alleles (0.000062%); highest among the groups gnomAD compares: Admixed American, 0.0017%; no homozygotes.

Submissions (3):

Labcorp Genetics (formerly Invitae), Labcorp
Classification: Uncertain significance for Neuroblastoma, susceptibility to, 3. Last evaluated: 2025-12-30. Review status: criteria provided, single submitter. Criteria: Invitae Variant Classification Sherloc (09022015). Collection method: clinical testing. Allele origin: germline.
Comment: This sequence change replaces histidine, which is basic and polar, with asparagine, which is neutral and polar, at codon 354 of the ALK protein (p.His354Asn). This variant is not present in population databases (gnomAD no frequency). This variant has not been reported in the literature in individuals affected with ALK-related conditions. ClinVar contains an entry for this variant (Variation ID: 3223781). An algorithm developed to predict the effect of missense changes on protein structure and function (PolyPhen-2) suggests that this variant is likely to be disruptive. In summary, the available evidence is currently insufficient to determine the role of this variant in disease. Therefore, it has been classified as a Variant of Uncertain Significance.

Fulgent Genetics
Classification: Uncertain significance for Neuroblastoma, susceptibility to, 3. Last evaluated: 2024-05-23. Review status: criteria provided, single submitter. Criteria: ACMG Guidelines, 2015. Collection method: clinical testing. Allele origin: germline.

Ambry Genetics
Classification: Uncertain significance for Hereditary cancer-predisposing syndrome. Last evaluated: 2023-11-29. Review status: criteria provided, single submitter. Criteria: Ambry Variant Classification Scheme 2023. Collection method: clinical testing. Allele origin: germline.
Comment: The p.H354N variant (also known as c.1060C>A), located in coding exon 4 of the ALK gene, results from a C to A substitution at nucleotide position 1060. The histidine at codon 354 is replaced by asparagine, an amino acid with similar properties. This amino acid position is conserved. In addition, this alteration is predicted to be tolerated by in silico analysis. Since supporting evidence is limited at this time, the clinical significance of this alteration remains unclear.